The following is an entry in ClinVar:

NM_033380.3(COL4A5):c.1587+1G>A

Gene: COL4A5 (collagen type IV alpha 5 chain; plus strand). Cytogenetic location: Xq22.3.
Variant type: single nucleotide variant.
Coding change: c.1587+1G>A on transcript NM_033380.3 (MANE Select); the canonical splice donor site of the intron after coding-DNA position 1587, G replaced by A.
Molecular consequence: splice donor variant.
Genome position (GRCh38, 1-based): chrX:108,597,069, G>A. VCF-style: chrX-108597069-G-A. GRCh37 (hg19) VCF-style: chrX-107840299-G-A.
Other names: c.1587+1G>A (NM_000495.5).
Identifiers: ClinVar variation 1422502 (VCV001422502.6), dbSNP rs104886313, ClinGen allele CA258501.

ClinVar aggregate classification (germline): Pathogenic (1 of 4 stars; one submission).

Submission:

Labcorp Genetics (formerly Invitae), Labcorp
Classification: Pathogenic. Last evaluated: 2021-11-06. Review status: criteria provided, single submitter. Criteria: Invitae Variant Classification Sherloc (09022015). Collection method: clinical testing. Allele origin: germline.
Comment: For these reasons, this variant has been classified as Pathogenic. Algorithms developed to predict the effect of sequence changes on RNA splicing suggest that this variant may disrupt the consensus splice site. ClinVar contains an entry for this variant (Variation ID: 24427). This variant is also known as 1789+1G>A. Disruption of this splice site has been observed in individuals with Alport syndrome (PMID: 9848783, 10094548). This variant is not present in population databases (gnomAD no frequency). This sequence change affects a donor splice site in intron 23 of the COL4A5 gene. It is expected to disrupt RNA splicing. Variants that disrupt the donor or acceptor splice site typically lead to a loss of protein function (PMID: 16199547), and loss-of-function variants in COL4A5 are known to be pathogenic (PMID: 9195222, 10752524, 14514738, 24854265, 26809805).

Literature cited by the submitters: PubMed 9848783; PubMed 10094548; PubMed 16199547; PubMed 9195222; PubMed 10752524; PubMed 14514738; PubMed 24854265; PubMed 26809805.